The following is an entry in ClinVar:

ClinVar aggregate classification (germline): Uncertain significance (1 of 4 stars; one submission).

Submission:

Labcorp Genetics (formerly Invitae), Labcorp
Classification: Uncertain significance. Last evaluated: 2025-06-12. Review status: criteria provided, single submitter. Criteria: Invitae Variant Classification Sherloc (09022015). Collection method: clinical testing. Allele origin: germline.
Comment: This sequence change replaces leucine, which is neutral and non-polar, with proline, which is neutral and non-polar, at codon 1040 of the DIAPH3 protein (p.Leu1040Pro). This variant is not present in population databases (gnomAD no frequency). This variant has not been reported in the literature in individuals affected with DIAPH3-related conditions. ClinVar contains an entry for this variant (Variation ID: 3725596). An algorithm developed to predict the effect of missense changes on protein structure and function (PolyPhen-2) suggests that this variant is likely to be tolerated. In summary, the available evidence is currently insufficient to determine the role of this variant in disease. Therefore, it has been classified as a Variant of Uncertain Significance.

NM_001042517.2(DIAPH3):c.3119T>C (p.Leu1040Pro)

Gene: DIAPH3 (diaphanous related formin 3; minus strand). Cytogenetic location: 13q21.2.
Variant type: single nucleotide variant.
Coding change: c.3119T>C on transcript NM_001042517.2 (MANE Select); coding-DNA position 3119, T replaced by C.
Protein change: p.Leu1040Pro; replaces leucine 1040 with proline.
Molecular consequence: missense variant.
Genome position (GRCh38, 1-based): chr13:59,810,832, A>G on the plus strand (T>C on the coding strand, the complement: DIAPH3 is on the minus strand). VCF-style: chr13-59810832-A-G. GRCh37 (hg19) VCF-style: chr13-60384966-A-G.
Other names: c.3086T>C, p.Leu1029Pro (NM_001258366.2); c.2981T>C, p.Leu994Pro (NM_001258367.2); c.2909T>C, p.Leu970Pro (NM_001258368.2); c.3119T>C, p.Leu1040Pro (NM_001258369.2); c.2330T>C, p.Leu777Pro (NM_030932.4); short protein forms L970P, L994P, L1029P, L777P, L1040P.
Identifiers: ClinVar variation 3725596 (VCV003725596.2).